The following is an entry in ClinVar:

NM_022725.4(FANCF):c.211G>A (p.Gly71Ser)

Gene: FANCF (FA complementation group F; minus strand). Cytogenetic location: 11p14.3.
Variant type: single nucleotide variant.
Coding change: c.211G>A on transcript NM_022725.4 (MANE Select); coding-DNA position 211, G replaced by A.
Protein change: p.Gly71Ser; replaces glycine 71 with serine.
Molecular consequence: missense variant.
Genome position (GRCh38, 1-based): chr11:22,625,600, C>T on the plus strand (G>A on the coding strand, the complement: FANCF is on the minus strand). VCF-style: chr11-22625600-C-T. GRCh37 (hg19) VCF-style: chr11-22647146-C-T.
Other names: short protein forms G71S.
Identifiers: ClinVar variation 648667 (VCV000648667.9), dbSNP rs1590542146, ClinGen allele CA380059490.

ClinVar aggregate classification (germline): Uncertain significance. Review status: criteria provided, multiple submitters, no conflicts (2 of 4 stars). 2 submissions from 2 submitters: Uncertain significance (2). Last evaluated 2025-05-28.

Conditions:
Fanconi anemia (FA). Also called: Fanconi's anemia. Identifiers: Orphanet 84, MedGen C0015625, MeSH D005199, MONDO:0019391.
Fanconi anemia complementation group F. Also called: FANCF-Related Fanconi Anemia. Identifiers: Orphanet 84, MedGen C3469526, MONDO:0011325, OMIM 603467.

Submissions (2):

Labcorp Genetics (formerly Invitae), Labcorp
Classification: Uncertain significance for Fanconi anemia. Last evaluated: 2025-05-28. Review status: criteria provided, single submitter. Criteria: Invitae Variant Classification Sherloc (09022015). Collection method: clinical testing. Allele origin: germline.
Comment: This sequence change replaces glycine, which is neutral and non-polar, with serine, which is neutral and polar, at codon 71 of the FANCF protein (p.Gly71Ser). This variant is not present in population databases (gnomAD no frequency). This variant has not been reported in the literature in individuals affected with FANCF-related conditions. ClinVar contains an entry for this variant (Variation ID: 648667). Invitae Evidence Modeling of protein sequence and biophysical properties (such as structural, functional, and spatial information, amino acid conservation, physicochemical variation, residue mobility, and thermodynamic stability) indicates that this missense variant is not expected to disrupt FANCF protein function with a negative predictive value of 80%. In summary, the available evidence is currently insufficient to determine the role of this variant in disease. Therefore, it has been classified as a Variant of Uncertain Significance.

Fulgent Genetics
Classification: Uncertain significance for Fanconi anemia complementation group F. Last evaluated: 2021-11-13. Review status: criteria provided, single submitter. Criteria: ACMG Guidelines, 2015. Collection method: clinical testing. Allele origin: unknown.